The following is an entry in ClinVar:

NM_001079.4(ZAP70):c.914C>T (p.Pro305Leu)

Gene: ZAP70 (zeta chain of T cell receptor associated protein kinase 70; plus strand). Cytogenetic location: 2q11.2.
Variant type: single nucleotide variant.
Coding change: c.914C>T on transcript NM_001079.4 (MANE Select); coding-DNA position 914, C replaced by T.
Protein change: p.Pro305Leu; replaces proline 305 with leucine.
Molecular consequence: missense variant. On other transcripts: 5 prime UTR variant (1).
Genome position (GRCh38, 1-based): chr2:97,734,544, C>T. VCF-style: chr2-97734544-C-T. GRCh37 (hg19) VCF-style: chr2-98351007-C-T.
Other names: c.914C>T, p.Pro305Leu (NM_001378594.1); c.-8C>T (NM_207519.2); short protein forms P305L.
Identifiers: ClinVar variation 572188 (VCV000572188.6), dbSNP rs762428344, ClinGen allele CA1790319.

ClinVar aggregate classification (germline): Uncertain significance. Review status: criteria provided, multiple submitters, no conflicts (2 of 4 stars). 2 submissions from 2 submitters: Uncertain significance (2). Last evaluated 2023-12-28.

Conditions:
Inborn genetic diseases. Identifiers: MedGen C0950123, MeSH D030342.
Combined immunodeficiency due to ZAP70 deficiency (IMD48). Also called: Immunodeficiency 48; ZAP70 Deficiency. Identifiers: Orphanet 911, MedGen C2931299, MONDO:0010023, OMIM 269840.

Allele frequency attached by ClinVar (database versions not stated): gnomAD 0.00001; TOPMed 0.00003.
gnomAD v4.1: 23 of 1,613,912 alleles (0.0014%); highest among the groups gnomAD compares: African/African-American, 0.0027%; no homozygotes.

Submissions (2):

Ambry Genetics
Classification: Uncertain significance for Inborn genetic diseases. Last evaluated: 2023-12-28. Review status: criteria provided, single submitter. Criteria: Ambry Variant Classification Scheme 2023. Collection method: clinical testing. Allele origin: germline.

Labcorp Genetics (formerly Invitae), Labcorp
Classification: Uncertain significance for Combined immunodeficiency due to ZAP70 deficiency. Last evaluated: 2020-10-19. Review status: criteria provided, single submitter. Criteria: Invitae Variant Classification Sherloc (09022015). Collection method: clinical testing. Allele origin: germline.
Comment: This variant is present in population databases (rs762428344, ExAC 0.002%). In summary, the available evidence is currently insufficient to determine the role of this variant in disease. Therefore, it has been classified as a Variant of Uncertain Significance. Algorithms developed to predict the effect of missense changes on protein structure and function (SIFT, PolyPhen-2, Align-GVGD) all suggest that this variant is likely to be tolerated, but these predictions have not been confirmed by published functional studies and their clinical significance is uncertain. This variant has not been reported in the literature in individuals with ZAP70-related disease. This sequence change replaces proline with leucine at codon 305 of the ZAP70 protein (p.Pro305Leu). The proline residue is weakly conserved and there is a moderate physicochemical difference between proline and leucine.